The following is an entry in ClinVar:

NM_013339.4(ALG6):c.1398A>T (p.Leu466=)

Gene: ALG6 (ALG6 alpha-1,3-glucosyltransferase; plus strand). Cytogenetic location: 1p31.3.
Variant type: single nucleotide variant.
Coding change: c.1398A>T on transcript NM_013339.4 (MANE Select); coding-DNA position 1398, A replaced by T.
Protein change: p.Leu466=; no amino-acid change (leucine 466 retained).
Molecular consequence: synonymous variant.
Genome position (GRCh38, 1-based): chr1:63,436,894, A>T. VCF-style: chr1-63436894-A-T. GRCh37 (hg19) VCF-style: chr1-63902565-A-T.
Other names: c.1398A>T, p.Leu466= (LRG_1260t1).
Identifiers: ClinVar variation 382062 (VCV000382062.25), dbSNP rs140158304, ClinGen allele CA888445.
Genomic context (GRCh38, chr1:63,436,894, plus strand): 5'-AGTCATCACTATGGTGCTTCTGACGTTGATGACTGTCACACTGGATCCTCCTCAGAAACT[A>T]CCGGACTTGTTTTCTGTATTGGTGTGTTTTGTATCTTGCTTGAACTTCCTGTTCTTCTTG-3'
Protein context (NP_037471.2, residues 456-476): MTVTLDPPQK[Leu466=]PDLFSVLVCF

ClinVar aggregate classification (germline): Conflicting classifications of pathogenicity. Review status: criteria provided, conflicting classifications (1 of 4 stars). 7 submissions from 7 submitters: Uncertain significance (1); Benign (1); Likely benign (4). 1 of the submissions does not count toward it. Last evaluated 2026-02-02.

Conditions:
ALG6-congenital disorder of glycosylation 1C (CDG1C). Also called: CDG Ic; CARBOHYDRATE-DEFICIENT GLYCOPROTEIN SYNDROME, TYPE I, WITH DEFICIENT GLYCOSYLATION OF DOLICHOL-LINKED OLIGOSACCHARIDE; CARBOHYDRATE-DEFICIENT GLYCOPROTEIN SYNDROME, TYPE V; Congenital disorder of glycosylation, type Ic; Congenital disorder of glycosylation type 1C. Identifiers: Orphanet 79320, MedGen C2930997, MONDO:0011291, OMIM 603147.

Allele frequency attached by ClinVar (database versions not stated): gnomAD exomes 0.00015 and 0.00035; ExAC 0.00040; 1000 Genomes Project 0.00120; 1000 Genomes Project 30x 0.00125; gnomAD 0.00156 and 0.00167; TOPMed 0.00182; ESP Exome Variant Server 0.00200.
gnomAD v4.1: 466 of 1,613,872 alleles (0.029%); highest among the groups gnomAD compares: African/African-American, 0.57%; 2 homozygotes.

Submissions (7):

Labcorp Genetics (formerly Invitae), Labcorp
Classification: Benign for ALG6-congenital disorder of glycosylation 1C. Last evaluated: 2026-02-02. Review status: criteria provided, single submitter. Criteria: Invitae Variant Classification Sherloc (09022015). Collection method: clinical testing. Allele origin: germline.

Women's Health and Genetics/Laboratory Corporation of America, LabCorp
Classification: Likely benign. Last evaluated: 2025-10-06. Review status: criteria provided, single submitter. Criteria: LabCorp Variant Classification Summary - May 2015. Collection method: clinical testing. Allele origin: germline.

Blueprint Genetics
Classification: Likely benign. Last evaluated: 2024-08-28. Review status: criteria provided, single submitter. Criteria: ACMG Guidelines, 2015. Collection method: clinical testing. Allele origin: germline.

Illumina Laboratory Services, Illumina
Classification: Uncertain significance for ALG6-congenital disorder of glycosylation 1C. Last evaluated: 2018-01-12. Review status: criteria provided, single submitter. Criteria: ICSL Variant Classification Criteria 13 December 2019. Collection method: clinical testing. Allele origin: germline.

GeneDx
Classification: Likely benign. Last evaluated: 2017-02-28. Review status: criteria provided, single submitter. Criteria: GeneDx Variant Classification (06012015). Collection method: clinical testing. Allele origin: germline. Affected: yes.
Comment: This variant is considered likely benign or benign based on one or more of the following criteria: it is a conservative change, it occurs at a poorly conserved position in the protein, it is predicted to be benign by multiple in silico algorithms, and/or has population frequency not consistent with disease.

Genetic Services Laboratory, University of Chicago
Classification: Likely benign. Last evaluated: 2016-08-05. Review status: criteria provided, single submitter. Criteria: ACMG Guidelines, 2015. Collection method: clinical testing. Allele origin: germline. Affected: no.

Natera, Inc.
Classification: Benign for Congenital disorder of glycosylation type 1c. Last evaluated: 2019-12-10. Review status: no assertion criteria provided. Collection method: clinical testing. Allele origin: germline. Not counted in ClinVar's aggregate classification.